The following is an entry in ClinVar:

NM_005654.6(NR2F1):c.788A>G (p.Asn263Ser)

Gene: NR2F1 (nuclear receptor subfamily 2 group F member 1; plus strand). Cytogenetic location: 5q15.
Variant type: single nucleotide variant.
Coding change: c.788A>G on transcript NM_005654.6 (MANE Select); coding-DNA position 788, A replaced by G.
Protein change: p.Asn263Ser; replaces asparagine 263 with serine.
Molecular consequence: missense variant.
Genome position (GRCh38, 1-based): chr5:93,588,241, A>G. VCF-style: chr5-93588241-A-G. GRCh37 (hg19) VCF-style: chr5-92923947-A-G.
Other names: c.338A>G, p.Asn113Ser (NM_001410754.1); c.788A>G (NM_005654.4); short protein forms N113S, N263S.
Identifiers: ClinVar variation 2141442 (VCV002141442.6), dbSNP rs1281166433, ClinGen allele CA360527085.

ClinVar aggregate classification (germline): Conflicting classifications of pathogenicity. Review status: criteria provided, conflicting classifications (1 of 4 stars). 3 submissions from 3 submitters: Uncertain significance (2); Benign (1). Last evaluated 2025-09-04.

Conditions:
Inborn genetic diseases. Identifiers: MedGen C0950123, MeSH D030342.

Allele frequency attached by ClinVar (database versions not stated): gnomAD exomes below 0.00001; TOPMed below 0.00001; gnomAD 0.00001.
gnomAD v4.1: 5 of 1,613,726 alleles (0.00031%); highest among the groups gnomAD compares: Admixed American, 0.005%; no homozygotes.

Submissions (3):

Labcorp Genetics (formerly Invitae), Labcorp
Classification: Benign. Last evaluated: 2025-09-04. Review status: criteria provided, single submitter. Criteria: Invitae Variant Classification Sherloc (09022015). Collection method: clinical testing. Allele origin: germline.

Ambry Genetics
Classification: Uncertain significance for Inborn genetic diseases. Last evaluated: 2024-10-20. Review status: criteria provided, single submitter. Criteria: Ambry Variant Classification Scheme 2023. Collection method: clinical testing. Allele origin: germline.

GeneDx
Classification: Uncertain significance. Last evaluated: 2023-08-16. Review status: criteria provided, single submitter. Criteria: GeneDx Variant Classification Process June 2021. Collection method: clinical testing. Allele origin: germline. Affected: yes.
Comment: In silico analysis supports that this missense variant has a deleterious effect on protein structure/function; Has not been previously published as pathogenic or benign to our knowledge; This variant is associated with the following publications: (PMID: 26986877)